The following is an entry in ClinVar:

ClinVar aggregate classification (germline): Uncertain significance (1 of 4 stars; one submission).

Conditions:
ALMS1-related disorder. Also called: ALMS1-related condition.

Submission:

PreventionGenetics, part of Exact Sciences
Classification: Uncertain significance for ALMS1-related condition. Last evaluated: 2025-09-08. Review status: criteria provided, single submitter. Criteria: ACMG Guidelines, 2015. Collection method: clinical testing. Allele origin: germline.
Comment: The ALMS1 c.8834A>C variant is predicted to result in the amino acid substitution p.His2945Pro. To our knowledge, this variant has not been reported in the literature or in a large population database (gnomAD), indicating this variant is rare. At this time, the clinical significance of this variant is uncertain due to the absence of conclusive functional and genetic evidence.

NM_001378454.1(ALMS1):c.8831A>C (p.Glu2944Ala)

Gene: ALMS1 (ALMS1 centrosome and basal body associated protein; plus strand). Cytogenetic location: 2p13.1.
Variant type: single nucleotide variant.
Coding change: c.8831A>C on transcript NM_001378454.1 (MANE Select); coding-DNA position 8831, A replaced by C.
Protein change: p.Glu2944Ala; replaces glutamic acid 2944 with alanine.
Molecular consequence: missense variant.
Genome position (GRCh38, 1-based): chr2:73,490,790, A>C. VCF-style: chr2-73490790-A-C. GRCh37 (hg19) VCF-style: chr2-73717917-A-C.
Other names: c.8834A>C, p.Glu2945Ala (NM_015120.4); short protein forms E2945A, E2944A.
Identifiers: ClinVar variation 4995577 (VCV004995577.1).